The following is an entry in ClinVar:

NM_004006.3(DMD):c.472A>C (p.Asn158His)

Gene: DMD (dystrophin; minus strand). Cytogenetic location: Xp21.1.
Variant type: single nucleotide variant.
Coding change: c.472A>C on transcript NM_004006.3 (MANE Select); coding-DNA position 472, A replaced by C.
Protein change: p.Asn158His; replaces asparagine 158 with histidine.
Molecular consequence: missense variant.
Genome position (GRCh38, 1-based): chrX:32,816,526, T>G on the plus strand (A>C on the coding strand, the complement: DMD is on the minus strand). VCF-style: chrX-32816526-T-G. GRCh37 (hg19) VCF-style: chrX-32834643-T-G.
Other names: c.448A>C, p.Asn150His (NM_000109.4); c.460A>C, p.Asn154His (NM_004009.3); c.103A>C, p.Asn35His (NM_004010.3); short protein forms N150H, N154H, N35H, N158H.
Identifiers: ClinVar variation 1506707 (VCV001506707.10), dbSNP rs2148806453, ClinGen allele CA412674147.
Genomic context (GRCh38, chrX:32,816,526, plus strand): 5'-ACCTATGACTATGGATGAGAGCATTCAAAGCCAGGCCATCAGACCAGCTGGTGGTGAAGT[T>G]GATTACATTAACCTGTGGATAATTACGAGTTGATTGTCGGACCCAGCTCAGGAGAATCTT-3'
Protein context (NP_003997.2, residues 148-168): TRNYPQVNVI[Asn158His]FTTSWSDGLA

ClinVar aggregate classification (germline): Conflicting classifications of pathogenicity. Review status: criteria provided, conflicting classifications (1 of 4 stars). 3 submissions from 3 submitters: Likely pathogenic (1); Uncertain significance (2). Last evaluated 2025-11-18.

Conditions:
Duchenne muscular dystrophy (DMD). Also called: Duchenne Muscular Dystrophy (DMD); MUSCULAR DYSTROPHY, PSEUDOHYPERTROPHIC PROGRESSIVE, DUCHENNE TYPE. Identifiers: Orphanet 98896, MedGen C0013264, MONDO:0010679, OMIM 310200.
Cardiovascular phenotype. Identifiers: MedGen CN230736.

Submissions (3):

Labcorp Genetics (formerly Invitae), Labcorp
Classification: Likely pathogenic for Duchenne muscular dystrophy. Last evaluated: 2025-11-18. Review status: criteria provided, single submitter. Criteria: Invitae Variant Classification Sherloc (09022015). Collection method: clinical testing. Allele origin: germline.
Comment: This sequence change replaces asparagine, which is neutral and polar, with histidine, which is basic and polar, at codon 158 of the DMD protein (p.Asn158His). This variant is not present in population databases (gnomAD no frequency). This missense change has been observed in individuals with clinical features of Duchenne muscular dystrophy (internal data). ClinVar contains an entry for this variant (Variation ID: 1506707). Invitae Evidence Modeling of protein sequence and biophysical properties (such as structural, functional, and spatial information, amino acid conservation, physicochemical variation, residue mobility, and thermodynamic stability) has been performed for this missense variant. However, the output from this modeling did not meet the statistical confidence thresholds required to predict the impact of this variant on DMD protein function. This variant disrupts the p.Asn158 amino acid residue in DMD. Other variant(s) that disrupt this residue have been observed in individuals with DMD-related conditions (PMID: 17259292, 32403337; internal data), which suggests that this may be a clinically significant amino acid residue. In summary, the currently available evidence indicates that the variant is pathogenic, but additional data are needed to prove that conclusively. Therefore, this variant has been classified as Likely Pathogenic.

Ambry Genetics
Classification: Uncertain significance for Cardiovascular phenotype. Last evaluated: 2021-12-30. Review status: criteria provided, single submitter. Criteria: Ambry Variant Classification Scheme 2023. Collection method: clinical testing. Allele origin: germline.
Comment: The p.N158H variant (also known as c.472A>C), located in coding exon 6 of the DMD gene, results from an A to C substitution at nucleotide position 472. The asparagine at codon 158 is replaced by histidine, an amino acid with similar properties. This amino acid position is highly conserved in available vertebrate species. In addition, this alteration is predicted to be deleterious by in silico analysis. Since supporting evidence is limited at this time, the clinical significance of this alteration remains unclear.

Revvity Omics, Revvity
Classification: Uncertain significance. Last evaluated: 2021-12-27. Review status: criteria provided, single submitter. Criteria: ACMG Guidelines, 2015. Collection method: clinical testing. Allele origin: germline.

Literature cited by the submitters: PubMed 17259292 (cited by Labcorp Genetics (formerly Invitae), Labcorp); PubMed 32403337 (cited by Labcorp Genetics (formerly Invitae), Labcorp).